The following is an entry in ClinVar:

NM_004714.3(DYRK1B):c.1214A>G (p.Gln405Arg)

Gene: DYRK1B (dual specificity tyrosine phosphorylation regulated kinase 1B; minus strand). Cytogenetic location: 19q13.2.
Variant type: single nucleotide variant.
Coding change: c.1214A>G on transcript NM_004714.3 (MANE Select); coding-DNA position 1214, A replaced by G.
Protein change: p.Gln405Arg; replaces glutamine 405 with arginine.
Molecular consequence: missense variant. On other transcripts: splice acceptor variant (2).
Genome position (GRCh38, 1-based): chr19:39,826,869, T>C on the plus strand (A>G on the coding strand, the complement: DYRK1B is on the minus strand). VCF-style: chr19-39826869-T-C. GRCh37 (hg19) VCF-style: chr19-40317509-T-C.
Other names: c.1096-2A>G (NM_006483.3); c.1132-2A>G (NM_006484.3); short protein forms Q405R.
Identifiers: ClinVar variation 3344845 (VCV003344845.1).
Genomic context (GRCh38, chr19:39,826,869, plus strand): 5'-GCCCCCAGGGGGCTGATGCGGGCGGCGGGCTCATACTCCAGCATGCGCAGCACCAGGTCC[T>C]GGAAGCGGAGGTAGTCGGCGGGGCTGTGGCCCGGCTCCCCCGCCCGCCGGCCCCCGGGCC-3'
Protein context (NP_004705.1, residues 395-415): GHSPADYLRF[Gln405Arg]DLVLRMLEYE

ClinVar aggregate classification (germline): Uncertain significance (0 of 4 stars; one submission).

Conditions:
DYRK1B-related disorder. Also called: DYRK1B-related condition.

Submission:

PreventionGenetics, part of Exact Sciences
Classification: Uncertain significance for DYRK1B-related condition. Last evaluated: 2024-06-19. Review status: no assertion criteria provided. Collection method: clinical testing. Allele origin: germline.
Comment: The DYRK1B c.1096-2A>G variant is predicted to disrupt the AG splice acceptor site and interfere with normal splicing. Although this variant is predicted to impact splicing at the consensus acceptor site based on splicing prediction programs (SpliceAI, Jaganathan K, et al. 2019. PubMed ID: 30661751) for transcript NM_006483, the transcript listed in the Human Gene Mutation Database (HGMD) (NM_004714) results in a missense variant (p.Gln405Arg). To our knowledge, this variant has not been reported in the literature or in a large population database, indicating this variant is rare. Loss-of-function variants in DYRK1B are not an established mechanism of disease. At this time, the clinical significance of this variant is uncertain due to the absence of conclusive functional and genetic evidence.